The following is an entry in ClinVar:

NM_025265.4(TSEN2):c.1048C>T (p.Arg350Ter)

Gene: TSEN2 (tRNA splicing endonuclease subunit 2; plus strand). Cytogenetic location: 3p25.2.
Variant type: single nucleotide variant.
Coding change: c.1048C>T on transcript NM_025265.4 (MANE Select); coding-DNA position 1048, C replaced by T.
Protein change: p.Arg350Ter; replaces arginine 350 with a stop codon.
Molecular consequence: nonsense. On other transcripts: non-coding transcript variant (1).
Genome position (GRCh38, 1-based): chr3:12,519,146, C>T. VCF-style: chr3-12519146-C-T. GRCh37 (hg19) VCF-style: chr3-12560645-C-T.
Other names: c.1048C>T, p.Arg350Ter (NM_001145392.2, NM_001321277.2, NM_001321278.2); c.970C>T, p.Arg324Ter (NM_001145393.3, NM_001321279.2); c.871C>T, p.Arg291Ter (NM_001145394.2); short protein forms R291*, R350*, R324*.
Identifiers: ClinVar variation 632396 (VCV000632396.5), dbSNP rs201467485, ClinGen allele CA2258696.

ClinVar aggregate classification (germline): Likely pathogenic (1 of 4 stars; one submission).

Conditions:
Pontocerebellar hypoplasia type 2B (PCH2B). Identifiers: Orphanet 2524, MedGen C2676466, MONDO:0012890, OMIM 612389.

Allele frequency attached by ClinVar (database versions not stated): gnomAD exomes below 0.00001; ExAC 0.00001; TOPMed 0.00002; gnomAD 0.00004; ESP Exome Variant Server 0.00008.
gnomAD v4.1: 13 of 1,614,092 alleles (0.00081%); highest among the groups gnomAD compares: African/African-American, 0.0027%; no homozygotes.

Submission:

Greenwood Genetic Center Diagnostic Laboratories, Greenwood Genetic Center
Classification: Likely pathogenic for Pontocerebellar hypoplasia type 2B. Last evaluated: 2024-03-11. Review status: criteria provided, single submitter. Criteria: ACMG Guidelines, 2015. Collection method: clinical testing. Allele origin: germline. Affected: yes.
Comment: PVS1, PM2